The following is an entry in ClinVar:

ClinVar aggregate classification (germline): Likely benign (1 of 4 stars; one submission).

Submission:

CeGaT Center for Human Genetics Tuebingen
Classification: Likely benign. Last evaluated: 2025-06-01. Review status: criteria provided, single submitter. Criteria: CeGaT Center For Human Genetics Tuebingen Variant Classification Criteria Version 2. Collection method: clinical testing. Allele origin: germline. Affected: yes. Observed: 1 variant allele.
Comment: FLG: BP4, BP7

NM_002016.2(FLG):c.11637A>G (p.Arg3879=)

Genes: CCDST (cervical cancer associated DHX9 suppressive transcript; plus strand), FLG (filaggrin; minus strand). Cytogenetic location: 1q21.3.
Variant type: single nucleotide variant.
Coding change: c.11637A>G on transcript NM_002016.2 (MANE Select); coding-DNA position 11637, A replaced by G.
Protein change: p.Arg3879=; no amino-acid change (arginine 3879 retained).
Molecular consequence: synonymous variant.
Genome position (GRCh38, 1-based): chr1:152,303,249, T>C on the plus strand (A>G on the coding strand, the complement: FLG is on the minus strand). VCF-style: chr1-152303249-T-C. GRCh37 (hg19) VCF-style: chr1-152275725-T-C.
Identifiers: ClinVar variation 4083951 (VCV004083951.8).
Genomic context (GRCh38, chr1:152,303,249, plus strand): 5'-GGAGCCATCTCTTGACTGCTCCCGAGAAGATCCATGATGGTTTCTGGAAGCAGACTCAGA[T>C]CGCCTCTCAGAGTCCTCTGGGTATGCCTCACTGTCACTGTCCTGGCTAACACTGGATCCC-3'
Protein context (NP_002007.1, residues 3869-3889): SEAYPEDSER[Arg3879=]SESASRNHHG